The following is an entry in ClinVar:

NM_001267550.2(TTN):c.24506-17_24506-16del

Gene: TTN (titin; minus strand). Cytogenetic location: 2q31.2.
Variant type: Deletion.
Coding change: c.24506-17_24506-16del on transcript NM_001267550.2 (MANE Select); 17 bases into the intron before coding-DNA position 24506 through 16 bases into the intron before coding-DNA position 24506, 2 bases deleted (AT; older notation c.24506-17_24506-16delAT).
Molecular consequence: intron variant.
Genome position (GRCh38, 1-based): chr2:178,718,616-178,718,617, AT deleted on the plus strand (AT on the coding strand, the reverse complement: TTN is on the minus strand). VCF-style (leftmost placement, unchanged base first): chr2-178718615-CAT-C. GRCh37 (hg19) VCF-style: chr2-179583342-CAT-C.
Other names: c.23555-17_23555-16delAT (NM_001256850.1); c.13282+19465_13282+19466del (NM_003319.4); c.13858+19465_13858+19466del (NM_133437.4); c.13657+19465_13657+19466del (NM_133432.3); c.20774-17_20774-16del (NM_133378.4); c.23555-17_23555-16del (NM_001256850.1).
Identifiers: ClinVar variation 418527 (VCV000418527.10), dbSNP rs776041749, ClinGen allele CA2000411.

ClinVar aggregate classification (germline): Likely benign. Review status: criteria provided, multiple submitters, no conflicts (2 of 4 stars). 3 submissions from 3 submitters: Likely benign (3). Last evaluated 2026-01-13.

Conditions:
Autosomal recessive limb-girdle muscular dystrophy type 2J (LGMDR10). Also called: Limb-girdle muscular dystrophy, type 2J; MUSCULAR DYSTROPHY, LIMB-GIRDLE, AUTOSOMAL RECESSIVE 10. Identifiers: Orphanet 140922, MedGen C1837342, MONDO:0012127, OMIM 608807.
Dilated cardiomyopathy 1G (CMD1G). Identifiers: Orphanet 154, MedGen C1858763, MONDO:0011400, OMIM 604145.

Allele frequency attached by ClinVar (database versions not stated): gnomAD exomes 0.00001 and 0.00002; ExAC 0.00004; TOPMed 0.00004; gnomAD 0.00005 and 0.00006.

Submissions (3):

Labcorp Genetics (formerly Invitae), Labcorp
Classification: Likely benign for Dilated cardiomyopathy 1G; Autosomal recessive limb-girdle muscular dystrophy type 2J. Last evaluated: 2026-01-13. Review status: criteria provided, single submitter. Criteria: Invitae Variant Classification Sherloc (09022015). Collection method: clinical testing. Allele origin: germline.

Blueprint Genetics
Classification: Likely benign. Last evaluated: 2024-08-15. Review status: criteria provided, single submitter. Criteria: ACMG Guidelines, 2015. Collection method: clinical testing. Allele origin: germline.

GeneDx
Classification: Likely benign. Last evaluated: 2016-05-24. Review status: criteria provided, single submitter. Criteria: GeneDx Variant Classification (06012015). Collection method: clinical testing. Allele origin: germline. Affected: yes.
Comment: This variant is considered likely benign or benign based on one or more of the following criteria: it is a conservative change, it occurs at a poorly conserved position in the protein, it is predicted to be benign by multiple in silico algorithms, and/or has population frequency not consistent with disease.